The following is an entry in ClinVar:

ClinVar aggregate classification (germline): Uncertain significance (1 of 4 stars; one submission).

Submission:

Ambry Genetics
Classification: Uncertain significance. Last evaluated: 2026-04-20. Review status: criteria provided, single submitter. Criteria: Ambry Variant Classification Scheme 2023. Collection method: clinical testing. Allele origin: germline.
Comment: The p.D932N variant (also known as c.2794G>A), located in coding exon 1 of the TET2 gene, results from a G to A substitution at nucleotide position 2794. The aspartic acid at codon 932 is replaced by asparagine, an amino acid with highly similar properties. This amino acid position is conserved. In addition, this alteration is predicted to be tolerated by in silico analysis. Based on the available evidence, the clinical significance of this variant remains unclear.

NM_001127208.3(TET2):c.2794G>A (p.Asp932Asn)

Genes: TET2 (tet methylcytosine dioxygenase 2; plus strand), TET2-AS1 (TET2 antisense RNA 1; minus strand). Cytogenetic location: 4q24.
Variant type: single nucleotide variant.
Coding change: c.2794G>A on transcript NM_001127208.3 (MANE Select); coding-DNA position 2794, G replaced by A.
Protein change: p.Asp932Asn; replaces aspartic acid 932 with asparagine.
Molecular consequence: missense variant.
Genome position (GRCh38, 1-based): chr4:105,236,736, G>A. VCF-style: chr4-105236736-G-A. GRCh37 (hg19) VCF-style: chr4-106157893-G-A.
Other names: c.2794G>A, p.Asp932Asn (NM_017628.4); short protein forms D932N.
Identifiers: ClinVar variation 4865551 (VCV004865551.1).